The following is an entry in ClinVar:

NM_000078.3(CETP):c.434_439+97del

Gene: CETP (cholesteryl ester transfer protein; plus strand). Cytogenetic location: 16q13.
Variant type: Deletion.
Coding change: c.434_439+97del on transcript NM_000078.3 (MANE Select); coding-DNA position 434 through 97 bases into the intron after coding-DNA position 439, 103 bases deleted.
Molecular consequence: splice donor variant.
Genome position (GRCh38, 1-based): chr16:56,969,676-56,969,778, 103 bases deleted. GRCh37 (hg19): chr16:57,003,588-57,003,690.
Other names: c.434_439+97del (NM_001286085.2).
Identifiers: ClinVar variation 4727892 (VCV004727892.1).

ClinVar aggregate classification (germline): Uncertain significance (1 of 4 stars; one submission).

Submission:

Labcorp Genetics (formerly Invitae), Labcorp
Classification: Uncertain significance. Last evaluated: 2025-09-26. Review status: criteria provided, single submitter. Criteria: Invitae Variant Classification Sherloc (09022015). Collection method: clinical testing. Allele origin: germline.
Comment: This variant results in the deletion of part of exon 4 (c.434_439+97del) of the CETP gene. It is expected to disrupt RNA splicing. Variants that disrupt the donor or acceptor splice site typically lead to a loss of protein function (PMID: 16199547), however the current clinical and genetic evidence is not sufficient to establish whether loss-of-function variants in CETP cause disease. This variant is not present in population databases (gnomAD no frequency). This variant has not been reported in the literature in individuals affected with CETP-related conditions. In summary, the available evidence is currently insufficient to determine the role of this variant in disease. Therefore, it has been classified as a Variant of Uncertain Significance.

Literature cited by the submitters: PubMed 16199547.